The following is an entry in ClinVar:

ClinVar aggregate classification (germline): Benign/Likely benign. Review status: criteria provided, multiple submitters, no conflicts (2 of 4 stars). 4 submissions from 4 submitters: Benign (1); Likely benign (3). Last evaluated 2025-08-07.

Conditions:
Tuberous sclerosis 2 (TSC2). Identifiers: Orphanet 805, MedGen C1860707, MONDO:0013199, OMIM 613254.
Hereditary cancer-predisposing syndrome. Also called: Tumor predisposition; Neoplastic Syndromes, Hereditary; Hereditary Cancer Syndrome; Hereditary neoplastic syndrome. Identifiers: Orphanet 140162, MedGen C0027672, MeSH D009386, MONDO:0015356.
Tuberous sclerosis syndrome (TSC). Also called: Tuberous Sclerosis Complex; Tuberous sclerosis. Identifiers: Orphanet 805, MedGen C0041341, MONDO:0001734.

Allele frequency attached by ClinVar (database versions not stated): TOPMed below 0.00001; gnomAD exomes 0.00001.
gnomAD v4.1: 3 of 1,614,140 alleles (0.00019%); highest among the groups gnomAD compares: East Asian, 0.0022%; no homozygotes.

Submissions (4):

Labcorp Genetics (formerly Invitae), Labcorp
Classification: Likely benign for Tuberous sclerosis 2. Last evaluated: 2025-08-07. Review status: criteria provided, single submitter. Criteria: Invitae Variant Classification Sherloc (09022015). Collection method: clinical testing. Allele origin: germline.

Myriad Genetics, Inc.
Classification: Benign for Tuberous sclerosis 2. Last evaluated: 2025-05-19. Review status: criteria provided, single submitter. Criteria: Myriad Autosomal Dominant, Autosomal Recessive and X-Linked Classification Criteria (2023). Collection method: clinical testing. Allele origin: unknown.
Comment: This variant is considered benign. This variant is a silent/synonymous amino acid change and it is not expected to impact splicing.

All of Us Research Program, National Institutes of Health
Classification: Likely benign for Tuberous sclerosis syndrome. Last evaluated: 2023-02-24. Review status: criteria provided, single submitter. Criteria: ACMG Guidelines, 2015. Collection method: clinical testing. Allele origin: germline. Inheritance: Autosomal dominant inheritance. Observed: 1 variant allele, 1 heterozygote.
Comment: This study involves interpretation of variants in research participants for the purpose of population health screening. Participant phenotype was not available at the time of variant classification. Additional details can be found in publication PMID: 35346344, PMCID: PMC8962531

Ambry Genetics
Classification: Likely benign for Hereditary cancer-predisposing syndrome. Last evaluated: 2021-12-30. Review status: criteria provided, single submitter. Criteria: Ambry Variant Classification Scheme 2023. Collection method: clinical testing. Allele origin: germline.

NM_000548.5(TSC2):c.2166C>T (p.Leu722=)

Gene: TSC2 (TSC complex subunit 2; plus strand). Cytogenetic location: 16p13.3.
Variant type: single nucleotide variant.
Coding change: c.2166C>T on transcript NM_000548.5 (MANE Select); coding-DNA position 2166, C replaced by T.
Protein change: p.Leu722=; no amino-acid change (leucine 722 retained).
Molecular consequence: synonymous variant.
Genome position (GRCh38, 1-based): chr16:2,072,309, C>T. VCF-style: chr16-2072309-C-T. GRCh37 (hg19) VCF-style: chr16-2122310-C-T.
Other names: c.2166C>T, p.Leu722= (NM_001077183.3, NM_001114382.3, NM_001363528.2 and 3 more transcripts); c.2055C>T, p.Leu685= (NM_001318827.2); c.2019C>T, p.Leu673= (NM_001318829.2); c.1566C>T, p.Leu522= (NM_001318831.2); c.2199C>T, p.Leu733= (NM_001318832.2).
Identifiers: ClinVar variation 1093381 (VCV001093381.13), dbSNP rs1009050362, ClinGen allele CA276738390.